The following is an entry in ClinVar:

ClinVar aggregate classification (germline): Uncertain significance. Review status: criteria provided, multiple submitters, no conflicts (2 of 4 stars). 2 submissions from 2 submitters: Uncertain significance (2). Last evaluated 2025-08-03.

Conditions:
Inborn genetic diseases. Identifiers: MedGen C0950123, MeSH D030342.

gnomAD v4.1: 15 of 1,614,232 alleles (0.00093%); highest among the groups gnomAD compares: Admixed American, 0.015%; no homozygotes.

Submissions (2):

Ambry Genetics
Classification: Uncertain significance for Inborn genetic diseases. Last evaluated: 2025-08-03. Review status: criteria provided, single submitter. Criteria: Ambry Variant Classification Scheme 2023. Collection method: clinical testing. Allele origin: germline.

Laboratory for Molecular Medicine, Mass General Brigham Personalized Medicine
Classification: Uncertain significance. Last evaluated: 2013-06-28. Review status: criteria provided, single submitter. Criteria: LMM Criteria. Collection method: clinical testing. Allele origin: germline. Observed: 1 variant allele.
Comment: The Ala1309Thr variant in TECTA has not been reported in individuals with hearin g loss or in large population studies. Computational analyses (biochemical amin o acid properties, conservation, AlignGVGD, PolyPhen2, and SIFT) do not provide strong support for or against an impact to the protein. In summary, additional data is needed to determine the clinical significance of this variant.

NM_005422.4(TECTA):c.3925G>A (p.Ala1309Thr)

Genes: TBCEL-TECTA (TBCEL-TECTA readthrough; plus strand), TECTA (tectorin alpha; plus strand). Cytogenetic location: 11q23.3.
Variant type: single nucleotide variant.
Coding change: c.3925G>A on transcript NM_005422.4 (MANE Select); coding-DNA position 3925, G replaced by A.
Protein change: p.Ala1309Thr; replaces alanine 1309 with threonine.
Molecular consequence: missense variant.
Genome position (GRCh38, 1-based): chr11:121,145,936, G>A. VCF-style: chr11-121145936-G-A. GRCh37 (hg19) VCF-style: chr11-121016645-G-A.
Other names: c.4882G>A, p.Ala1628Thr (NM_001378761.1); short protein forms A1309T, A1628T.
Identifiers: ClinVar variation 179095 (VCV000179095.6), dbSNP rs727504621, ClinGen allele CA183713.